The following is an entry in ClinVar:

NM_001354604.2(MITF):c.1566G>A (p.Thr522=)

Gene: MITF (melanocyte inducing transcription factor; plus strand). Cytogenetic location: 3p13.
Variant type: single nucleotide variant.
Coding change: c.1566G>A on transcript NM_001354604.2 (MANE Select); coding-DNA position 1566, G replaced by A.
Protein change: p.Thr522=; no amino-acid change (threonine 522 retained).
Molecular consequence: synonymous variant.
Genome position (GRCh38, 1-based): chr3:69,965,233, G>A. VCF-style: chr3-69965233-G-A. GRCh37 (hg19) VCF-style: chr3-70014384-G-A.
Other names: p.Thr415=; c.1245G>A, p.Thr415= (NM_000248.4); c.1392G>A, p.Thr464= (NM_001184967.2, NM_001354608.2); c.1563G>A, p.Thr521= (NM_001354605.2); c.1545G>A, p.Thr515= (NM_001354606.2, NM_006722.3); c.1497G>A, p.Thr499= (NM_001354607.2); c.1227G>A, p.Thr409= (NM_198158.3); c.1548G>A, p.Thr516= (NM_198159.3); and 2 more.
Identifiers: ClinVar variation 226726 (VCV000226726.23), dbSNP rs36118030, ClinGen allele CA2490699.

ClinVar aggregate classification (germline): Benign/Likely benign. Review status: criteria provided, multiple submitters, no conflicts (2 of 4 stars). 14 submissions from 12 submitters: Benign (12); Likely benign (1). 1 of the submissions does not count toward it. Last evaluated 2026-02-03.

Conditions:
Waardenburg syndrome type 2A (WS2A). Also called: WAARDENBURG SYNDROME WITHOUT DYSTOPIA CANTHORUM. Identifiers: Orphanet 3440, MedGen C1860339, MONDO:0008671, OMIM 193510.
Melanoma, cutaneous malignant, susceptibility to, 8. Also called: MELANOMA AND RENAL CELL CARCINOMA, SUSCEPTIBILITY TO; Cutaneous malignant melanoma 8. Identifiers: Orphanet 293822, MedGen C3152204, MONDO:0013759, OMIM 614456.
Tietz syndrome (TADS). Also called: TIETZ ALBINISM-DEAFNESS SYNDROME; ALBINISM-DEAFNESS OF TIETZ; HYPOPIGMENTATION/DEAFNESS OF TIETZ. Identifiers: Orphanet 42665, MedGen C0391816, MONDO:0007077, OMIM 103500.
Hereditary cancer-predisposing syndrome. Also called: Hereditary neoplastic syndrome; Hereditary Cancer Syndrome; Neoplastic Syndromes, Hereditary; Tumor predisposition. Identifiers: Orphanet 140162, MedGen C0027672, MeSH D009386, MONDO:0015356.
Familial melanoma. Also called: Hereditary melanoma; Hereditary cutaneous melanoma. Identifiers: Orphanet 618, MedGen C1512419, MONDO:0018961.

Allele frequency attached by ClinVar (database versions not stated): gnomAD exomes 0.00216; ExAC 0.00268; 1000 Genomes Project 0.00699; 1000 Genomes Project 30x 0.00718; gnomAD 0.00895 and 0.00991; ESP Exome Variant Server 0.00923; TOPMed 0.01096.
gnomAD v4.1: 2,665 of 1,613,830 alleles (0.17%); highest among the groups gnomAD compares: African/African-American, 3.1%; 40 homozygotes.

Submissions (14):

Labcorp Genetics (formerly Invitae), Labcorp
Classification: Benign for Melanoma, cutaneous malignant, susceptibility to, 8; Waardenburg syndrome type 2A; Tietz syndrome. Last evaluated: 2026-02-03. Review status: criteria provided, single submitter. Criteria: Invitae Variant Classification Sherloc (09022015). Collection method: clinical testing. Allele origin: germline.

KCCC/NGS Laboratory, Kuwait Cancer Control Center
Classification: Benign for Waardenburg syndrome type 2A. Last evaluated: 2025-02-01. Review status: criteria provided, single submitter. Criteria: ACMG Guidelines, 2015. Collection method: clinical testing. Allele origin: germline. Affected: no.

Mayo Clinic Laboratories, Mayo Clinic
Classification: Benign. Last evaluated: 2024-10-24. Review status: criteria provided, single submitter. Criteria: ACMG Guidelines, 2015. Collection method: clinical testing. Allele origin: germline. Observed: 1 variant allele.
Comment: BA1, BS2

Ambry Genetics
Classification: Likely benign for Hereditary cancer-predisposing syndrome. Last evaluated: 2024-10-02. Review status: criteria provided, single submitter. Criteria: Ambry Variant Classification Scheme 2023. Collection method: clinical testing. Allele origin: germline.

Department of Pathology and Laboratory Medicine, Sinai Health System
Classification: Benign for Familial melanoma. Last evaluated: 2023-11-21. Review status: criteria provided, single submitter. Criteria: ACMG Guidelines, 2015. Collection method: clinical testing. Allele origin: germline. Affected: yes.

KCCC/NGS Laboratory, Kuwait Cancer Control Center
Classification: Benign for Melanoma, cutaneous malignant, susceptibility to, 8. Last evaluated: 2023-07-07. Review status: criteria provided, single submitter. Criteria: ACMG Guidelines, 2015. Collection method: clinical testing. Allele origin: germline. Affected: yes.

Athena Diagnostics
Classification: Benign. Last evaluated: 2018-12-05. Review status: criteria provided, single submitter. Criteria: Athena Diagnostics Criteria. Collection method: clinical testing. Allele origin: germline.

GeneDx
Classification: Benign. Last evaluated: 2018-02-06. Review status: criteria provided, single submitter. Criteria: GeneDx Variant Classification (06012015). Collection method: clinical testing. Allele origin: germline. Affected: yes.
Comment: This variant is considered likely benign or benign based on one or more of the following criteria: it is a conservative change, it occurs at a poorly conserved position in the protein, it is predicted to be benign by multiple in silico algorithms, and/or has population frequency not consistent with disease.

Illumina Laboratory Services, Illumina
Classification: Benign for Waardenburg syndrome type 2A. Last evaluated: 2018-01-13. Review status: criteria provided, single submitter. Criteria: ICSL Variant Classification Criteria 13 December 2019. Collection method: clinical testing. Allele origin: germline.
Comment: This variant was observed in the ICSL laboratory as part of a predisposition screen in an ostensibly healthy population. It had not been previously curated by ICSL or reported in the Human Gene Mutation Database (HGMD: prior to June 1st, 2018), and was therefore a candidate for classification through an automated scoring system. Utilizing variant allele frequency, disease prevalence and penetrance estimates, and inheritance mode, an automated score was calculated to assess if this variant is too frequent to cause the disease. Based on the score and internal cut-off values, a variant classified as benign is not then subjected to further curation. The score for this variant resulted in a classification of benign for this disease.

Illumina Laboratory Services, Illumina
Classification: Benign for Tietz syndrome. Last evaluated: 2018-01-13. Review status: criteria provided, single submitter. Criteria: ICSL Variant Classification Criteria 13 December 2019. Collection method: clinical testing. Allele origin: germline.
Comment: the same text as in the submission from Illumina Laboratory Services, Illumina above.

Women's Health and Genetics/Laboratory Corporation of America, LabCorp
Classification: Benign. Last evaluated: 2016-03-04. Review status: criteria provided, single submitter. Criteria: LabCorp Variant Classification Summary - May 2015. Collection method: clinical testing. Allele origin: germline.
Comment: Variant summary: MITF c.1245G>A affects a non-conserved nucleotide, resulting in a synonymous change. 4/5 programs in Alamut predict that this variant does not affect normal splicing. ESEfinder predicts changes of binding motifs for RNA splicing enhancers. This variant was found in 323/120562 control chromosomes at a frequency of 0.0026791, predominalty observed in African subpopulation in ExAC with MAF of 0.031 with 8 homozygotes. These frequencies significantly exceed the maximal expected frequency of a pathogenic MITF allele (0.0000125), suggesting this variant is benign. This variant has not, to our knowledge, been reported in affected individuals via publications or clinical laboratories; nor evaluated for functional impact by in vivo/vitro studies. Taken together, this variant was classified as Benign.

Laboratory for Molecular Medicine, Mass General Brigham Personalized Medicine
Classification: Benign. Last evaluated: 2014-11-24. Review status: criteria provided, single submitter. Criteria: LMM Criteria. Collection method: clinical testing. Allele origin: germline. Observed: 11 variant alleles.
Comment: Thr516Thr in exon 10 of MITF: This variant is not expected to have clinical sign ificance because it does not alter an amino acid residue and is not located with in the splice consensus sequence. It has been identified in 2.7% (120/4406) of A frican American chromosomes from a broad population by the NHLBI Exome Sequencin g Project (dbSNP rs36118030).

Breakthrough Genomics
Classification: Benign. Review status: criteria provided, single submitter. Criteria: ACMG Guidelines, 2015. Collection method: not provided. Allele origin: germline. Inheritance: Autosomal recessive inheritance. Affected: yes.

Genetic Services Laboratory, University of Chicago
Classification: Benign. Last evaluated: 2022-05-12. Review status: no assertion criteria provided. Collection method: clinical testing. Allele origin: germline. Affected: no. Not counted in ClinVar's aggregate classification.